The following is an entry in ClinVar:

NM_017760.7(NCAPG2):c.545A>G (p.Asp182Gly)

Gene: NCAPG2 (non-SMC condensin II complex subunit G2; minus strand). Cytogenetic location: 7q36.3.
Variant type: single nucleotide variant.
Coding change: c.545A>G on transcript NM_017760.7 (MANE Select); coding-DNA position 545, A replaced by G.
Protein change: p.Asp182Gly; replaces aspartic acid 182 with glycine.
Molecular consequence: missense variant. On other transcripts: non-coding transcript variant (1).
Genome position (GRCh38, 1-based): chr7:158,689,946, T>C on the plus strand (A>G on the coding strand, the complement: NCAPG2 is on the minus strand). VCF-style: chr7-158689946-T-C. GRCh37 (hg19) VCF-style: chr7-158482638-T-C.
Other names: c.545A>G, p.Asp182Gly (NM_001281932.2, NM_001281933.2); c.545A>G (NM_017760.5); short protein forms D182G.
Identifiers: ClinVar variation 3037498 (VCV003037498.3), dbSNP rs61752311, ClinGen allele CA4593095.
Genomic context (GRCh38, chr7:158,689,946, plus strand): 5'-TCCTCCAAATCATAATCAAAGCAATATAAAGCTTGATGGATACGCCAAAGCCGACATACG[T>C]CTGCACCCTAGGAATGACACAAAAAATGTGATACCTTTTTCAATGAACAGTAAAGTCATA-3'
Protein context (NP_060230.5, residues 172-192): RRSLETKTGA[Asp182Gly]VCRLWRIHQA

ClinVar aggregate classification (germline): Uncertain significance. Review status: criteria provided, single submitter (1 of 4 stars). 2 submissions from 2 submitters: Uncertain significance (1). 1 of the submissions does not count toward it. Last evaluated 2024-03-04.

Conditions:
NCAPG2-related disorder. Also called: NCAPG2-related condition.

Allele frequency attached by ClinVar (database versions not stated): 1000 Genomes Project 30x 0.00016; 1000 Genomes Project 0.00020; ESP Exome Variant Server 0.00084; ExAC 0.00136; gnomAD exomes 0.00189.
gnomAD v4.1: 2,837 of 1,559,960 alleles (0.18%); highest among the groups gnomAD compares: Non-Finnish European, 0.22%; 3 homozygotes.

Submissions (2):

Ambry Genetics
Classification: Uncertain significance. Last evaluated: 2024-03-04. Review status: criteria provided, single submitter. Criteria: Ambry Variant Classification Scheme 2023. Collection method: clinical testing. Allele origin: germline.

PreventionGenetics, part of Exact Sciences
Classification: Likely benign for NCAPG2-related condition. Last evaluated: 2022-02-26. Review status: no assertion criteria provided. Collection method: clinical testing. Allele origin: germline. Not counted in ClinVar's aggregate classification.
Comment: This variant is classified as likely benign based on ACMG/AMP sequence variant interpretation guidelines (Richards et al. 2015 PMID: 25741868, with internal and published modifications).